The following is an entry in ClinVar:

ClinVar aggregate classification (germline): Likely benign (0 of 4 stars; one submission).

Conditions:
CFAP57-related disorder. Also called: CFAP57-related condition.

Allele frequency attached by ClinVar (database versions not stated): gnomAD 0.00005; TOPMed 0.00006; gnomAD exomes 0.00001.
gnomAD v4.1: 27 of 1,526,358 alleles (0.0018%); highest among the groups gnomAD compares: Admixed American, 0.0022%; no homozygotes.

Submission:

PreventionGenetics, part of Exact Sciences
Classification: Likely benign for CFAP57-related condition. Last evaluated: 2019-02-22. Review status: no assertion criteria provided. Collection method: clinical testing. Allele origin: germline.
Comment: This variant is classified as likely benign based on ACMG/AMP sequence variant interpretation guidelines (Richards et al. 2015 PMID: 25741868, with internal and published modifications).

NM_001378189.1(CFAP57):c.2901A>G (p.Gln967=)

Genes: CFAP57 (cilia and flagella associated protein 57; plus strand), EBNA1BP2 (EBNA1 binding protein 2; minus strand), LOC105378685 (uncharacterized LOC105378685; minus strand). Cytogenetic location: 1p34.2.
Variant type: single nucleotide variant.
Coding change: c.2901A>G on transcript NM_001378189.1 (MANE Select); coding-DNA position 2901, A replaced by G.
Protein change: p.Gln967=; no amino-acid change (glutamine 967 retained).
Molecular consequence: synonymous variant.
Genome position (GRCh38, 1-based): chr1:43,227,018, A>G. VCF-style: chr1-43227018-A-G. GRCh37 (hg19) VCF-style: chr1-43692689-A-G.
Other names: c.2901A>G, p.Gln967= (NM_001195831.3).
Identifiers: ClinVar variation 3058381 (VCV003058381.2), dbSNP rs995524509, ClinGen allele CA21613072.
Genomic context (GRCh38, chr1:43,227,018, plus strand): 5'-CACTTCTCTCTCATCTCACCCCCAGGAGAAGCGAATTTATGATCTGAAAAAGAAAAATCA[A>G]GAACTAGGGAAATTCAAGTTTGTGCTTGACTACAAAATAAAGGAGCTGAAGAAGCAAATA-3'
Protein context (NP_001365118.1, residues 957-977): KRIYDLKKKN[Gln967=]ELGKFKFVLD